The following is an entry in ClinVar:

ClinVar aggregate classification (germline): Likely benign. Review status: criteria provided, multiple submitters, no conflicts (2 of 4 stars). 5 submissions from 5 submitters: Likely benign (5). Last evaluated 2025-08-24.

Conditions:
Cardiovascular phenotype. Identifiers: MedGen CN230736.
Hypertrophic cardiomyopathy. Also called: HYPERTROPHIC MYOCARDIOPATHY. Identifiers: Orphanet 217569, MedGen C0007194, MeSH D002312, MONDO:0005045, HP:0001639.
Cardiomyopathy (CMYO). Also called: Cardiomyopathies. Identifiers: Orphanet 167848, MedGen C0878544, MONDO:0004994, HP:0001638. Inheritance: Various modes of inheritance.

Allele frequency attached by ClinVar (database versions not stated): gnomAD exomes below 0.00001 and 0.00001; ExAC 0.00002; ESP Exome Variant Server 0.00008.

Submissions (5):

Labcorp Genetics (formerly Invitae), Labcorp
Classification: Likely benign for Hypertrophic cardiomyopathy. Last evaluated: 2025-08-24. Review status: criteria provided, single submitter. Criteria: Invitae Variant Classification Sherloc (09022015). Collection method: clinical testing. Allele origin: germline.

Blueprint Genetics
Classification: Likely benign. Last evaluated: 2024-06-14. Review status: criteria provided, single submitter. Criteria: ACMG Guidelines, 2015. Collection method: clinical testing. Allele origin: germline.

Color Diagnostics, LLC DBA Color Health
Classification: Likely benign for Cardiomyopathy. Last evaluated: 2018-12-04. Review status: criteria provided, single submitter. Criteria: ACMG Guidelines, 2015. Collection method: clinical testing. Allele origin: germline.

Ambry Genetics
Classification: Likely benign for Cardiovascular phenotype. Last evaluated: 2017-10-19. Review status: criteria provided, single submitter. Criteria: Ambry Variant Classification Scheme 2023. Collection method: clinical testing. Allele origin: germline.

GeneDx
Classification: Likely benign. Last evaluated: 2016-12-05. Review status: criteria provided, single submitter. Criteria: GeneDx Variant Classification (06012015). Collection method: clinical testing. Allele origin: germline. Affected: yes.
Comment: This variant is considered likely benign or benign based on one or more of the following criteria: it is a conservative change, it occurs at a poorly conserved position in the protein, it is predicted to be benign by multiple in silico algorithms, and/or has population frequency not consistent with disease.

NM_000258.3(MYL3):c.465C>T (p.His155=)

Gene: MYL3 (myosin light chain 3; minus strand). Cytogenetic location: 3p21.31.
Variant type: single nucleotide variant.
Coding change: c.465C>T on transcript NM_000258.3 (MANE Select); coding-DNA position 465, C replaced by T.
Protein change: p.His155=; no amino-acid change (histidine 155 retained).
Molecular consequence: synonymous variant.
Genome position (GRCh38, 1-based): chr3:46,859,491, G>A on the plus strand (C>T on the coding strand, the complement: MYL3 is on the minus strand). VCF-style: chr3-46859491-G-A. GRCh37 (hg19) VCF-style: chr3-46900981-G-A.
Identifiers: ClinVar variation 391328 (VCV000391328.16), dbSNP rs147125759, ClinGen allele CA044237.